The following is an entry in ClinVar:

NM_006767.4(LZTR1):c.1543G>T (p.Glu515Ter)

Gene: LZTR1 (leucine zipper like post translational regulator 1; plus strand). Cytogenetic location: 22q11.21.
Variant type: single nucleotide variant.
Coding change: c.1543G>T on transcript NM_006767.4 (MANE Select); coding-DNA position 1543, G replaced by T.
Protein change: p.Glu515Ter; replaces glutamic acid 515 with a stop codon.
Molecular consequence: nonsense.
Genome position (GRCh38, 1-based): chr22:20,994,197, G>T. VCF-style: chr22-20994197-G-T. GRCh37 (hg19) VCF-style: chr22-21348486-G-T.
Other names: short protein forms E515*.
Identifiers: ClinVar variation 3541635 (VCV003541635.1).

ClinVar aggregate classification (germline): Pathogenic (1 of 4 stars; one submission).

Conditions:
Hereditary cancer-predisposing syndrome. Also called: Hereditary Cancer Syndrome; Hereditary neoplastic syndrome; Tumor predisposition; Neoplastic Syndromes, Hereditary. Identifiers: Orphanet 140162, MedGen C0027672, MeSH D009386, MONDO:0015356.
Cardiovascular phenotype. Identifiers: MedGen CN230736.

gnomAD v4.1: 1 of 1,603,382 alleles (0.000062%); highest among the groups gnomAD compares: Admixed American, 0.0017%; no homozygotes.

Submission:

Ambry Genetics
Classification: Pathogenic for Cardiovascular phenotype; Hereditary cancer-predisposing syndrome. Last evaluated: 2024-10-10. Review status: criteria provided, single submitter. Criteria: Ambry Variant Classification Scheme 2023. Collection method: clinical testing. Allele origin: germline.
Comment: The p.E515* pathogenic mutation (also known as c.1543G>T), located in coding exon 14 of the LZTR1 gene, results from a G to T substitution at nucleotide position 1543. This changes the amino acid from a glutamic acid to a stop codon within coding exon 14. This alteration is expected to result in loss of function by premature protein truncation or nonsense-mediated mRNA decay. Based on the supporting evidence, this variant is pathogenic for an increased risk of LZTR1-related schwannomatosis (SWN) and would be expected to cause autosomal recessive Noonan syndrome when present along with a second pathogenic or likely pathogenic variant on the other allele; however, the association of this alteration with autosomal dominant Noonan syndrome is unlikely.